The following is an entry in ClinVar:

NM_014915.3(ANKRD26):c.4282C>A (p.Gln1428Lys)

Gene: ANKRD26 (ankyrin repeat domain containing 26; minus strand). Cytogenetic location: 10p12.1.
Variant type: single nucleotide variant.
Coding change: c.4282C>A on transcript NM_014915.3 (MANE Select); coding-DNA position 4282, C replaced by A.
Protein change: p.Gln1428Lys; replaces glutamine 1428 with lysine.
Molecular consequence: missense variant.
Genome position (GRCh38, 1-based): chr10:27,017,726, G>T on the plus strand (C>A on the coding strand, the complement: ANKRD26 is on the minus strand). VCF-style: chr10-27017726-G-T. GRCh37 (hg19) VCF-style: chr10-27306655-G-T.
Other names: c.4279C>A, p.Gln1427Lys (NM_001256053.2); short protein forms Q1427K, Q1428K.
Identifiers: ClinVar variation 4104635 (VCV004104635.1).

ClinVar aggregate classification (germline): Uncertain significance (1 of 4 stars; one submission).

Conditions:
Inborn genetic diseases. Identifiers: MedGen C0950123, MeSH D030342.

Submission:

Ambry Genetics
Classification: Uncertain significance for Inborn genetic diseases. Last evaluated: 2025-09-01. Review status: criteria provided, single submitter. Criteria: Ambry Variant Classification Scheme 2023. Collection method: clinical testing. Allele origin: germline.
Comment: The p.Q1428K variant (also known as c.4282C>A), located in coding exon 30 of the ANKRD26 gene, results from a C to A substitution at nucleotide position 4282. The glutamine at codon 1428 is replaced by lysine, an amino acid with similar properties. This amino acid position is conserved. In addition, this alteration is predicted to be tolerated by in silico analysis. Based on the available evidence, the clinical significance of this variant remains unclear.